The following is an entry in ClinVar:

ClinVar aggregate classification (germline): Uncertain significance (1 of 4 stars; one submission).

Allele frequency attached by ClinVar (database versions not stated): gnomAD 0.00001; gnomAD exomes 0.00001; TOPMed 0.00001.
gnomAD v4.1: 9 of 1,549,084 alleles (0.00058%); highest among the groups gnomAD compares: East Asian, 0.0024%; no homozygotes.

Submission:

Labcorp Genetics (formerly Invitae), Labcorp
Classification: Uncertain significance. Last evaluated: 2022-12-18. Review status: criteria provided, single submitter. Criteria: Invitae Variant Classification Sherloc (09022015). Collection method: clinical testing. Allele origin: germline.
Comment: This sequence change replaces arginine, which is basic and polar, with glutamine, which is neutral and polar, at codon 463 of the PACS2 protein (p.Arg463Gln). The frequency data for this variant in the population databases is considered unreliable, as metrics indicate poor data quality at this position in the gnomAD database. This variant has not been reported in the literature in individuals affected with PACS2-related conditions. Advanced modeling of protein sequence and biophysical properties (such as structural, functional, and spatial information, amino acid conservation, physicochemical variation, residue mobility, and thermodynamic stability) performed at Invitae indicates that this missense variant is not expected to disrupt PACS2 protein function. In summary, the available evidence is currently insufficient to determine the role of this variant in disease. Therefore, it has been classified as a Variant of Uncertain Significance.

NM_001100913.3(PACS2):c.1388G>A (p.Arg463Gln)

Gene: PACS2 (phosphofurin acidic cluster sorting protein 2; plus strand). Cytogenetic location: 14q32.33.
Variant type: single nucleotide variant.
Coding change: c.1388G>A on transcript NM_001100913.3 (MANE Select); coding-DNA position 1388, G replaced by A.
Protein change: p.Arg463Gln; replaces arginine 463 with glutamine.
Molecular consequence: missense variant.
Genome position (GRCh38, 1-based): chr14:105,382,033, G>A. VCF-style: chr14-105382033-G-A. GRCh37 (hg19) VCF-style: chr14-105848370-G-A.
Other names: c.1163G>A, p.Arg388Gln (NM_001243127.3); c.1388G>A, p.Arg463Gln (NM_015197.4); short protein forms R463Q, R388Q.
Identifiers: ClinVar variation 2177521 (VCV002177521.4), dbSNP rs1418013429, ClinGen allele CA391181888.